The following is an entry in ClinVar:

ClinVar aggregate classification (germline): Uncertain significance (1 of 4 stars; one submission).

Submission:

GeneDx
Classification: Uncertain significance. Last evaluated: 2025-06-28. Review status: criteria provided, single submitter. Criteria: GeneDx Variant Classification Process June 2021. Collection method: clinical testing. Allele origin: germline. Affected: yes.
Comment: Not observed at significant frequency in large population cohorts (gnomAD); In-frame deletion of 2 amino acids in a non-repeat region; In silico analysis suggests that this variant does not alter protein structure/function; Has not been previously published as pathogenic or benign to our knowledge

NM_020719.3(PRR12):c.1118_1123del (p.Ala373_Gly374del)

Gene: PRR12 (proline rich 12; plus strand). Cytogenetic location: 19q13.33.
Variant type: Deletion.
Coding change: c.1118_1123del on transcript NM_020719.3 (MANE Select); coding-DNA positions 1118 to 1123, 6 bases deleted (CTGGGG; older notation c.1118_1123delCTGGGG).
Protein change: p.Ala373_Gly374del.
Genome position (GRCh38, 1-based): chr19:49,595,453-49,595,458, CTGGGG deleted; deleting any 6 consecutive bases within chr19:49,595,448-49,595,458 gives the same sequence; the c. name uses the placement nearest the transcript's 3' end. VCF-style (leftmost placement, unchanged base first): chr19-49595447-GTGGGGC-G. GRCh37 (hg19) VCF-style: chr19-50098704-GTGGGGC-G.
Identifiers: ClinVar variation 4540281 (VCV004540281.1).